The following is an entry in ClinVar:

ClinVar aggregate classification (germline): Likely benign (1 of 4 stars; one submission).

Allele frequency attached by ClinVar (database versions not stated): gnomAD exomes 0.00021; ExAC 0.00034; TOPMed 0.00044; 1000 Genomes Project 0.00159; 1000 Genomes Project 30x 0.00166.

Submission:

CeGaT Center for Human Genetics Tuebingen
Classification: Likely benign. Last evaluated: 2022-07-01. Review status: criteria provided, single submitter. Criteria: CeGaT Center For Human Genetics Tuebingen Variant Classification Criteria Version 2. Collection method: clinical testing. Allele origin: germline. Affected: yes. Observed: 1 variant allele.
Comment: MID1IP1: BP4, BP7

NM_021242.6(MID1IP1):c.69C>T (p.Gly23=)

Gene: MID1IP1 (MID1 interacting protein 1; plus strand). Cytogenetic location: Xp11.4.
Variant type: single nucleotide variant.
Coding change: c.69C>T on transcript NM_021242.6 (MANE Select); coding-DNA position 69, C replaced by T.
Protein change: p.Gly23=; no amino-acid change (glycine 23 retained).
Molecular consequence: synonymous variant.
Genome position (GRCh38, 1-based): chrX:38,805,015, C>T. VCF-style: chrX-38805015-C-T. GRCh37 (hg19) VCF-style: chrX-38664268-C-T.
Other names: c.69C>T, p.Gly23= (NM_001098790.2, NM_001098791.2).
Identifiers: ClinVar variation 2660301 (VCV002660301.24), dbSNP rs185752632, ClinGen allele CA10386179.
Genomic context (GRCh38, chrX:38,805,015, plus strand): 5'-AATCTGCGACACCTACAACCAGAAGCACTCGCTCTTTAACGCCATGAATCGCTTCATTGG[C>T]GCCGTGAACAACATGGACCAGACGGTGATGGTGCCCAGCTTGCTGCGCGACGTGCCCCTG-3'
Protein context (NP_067065.1, residues 13-33): SLFNAMNRFI[Gly23=]AVNNMDQTVM